The following is an entry in ClinVar:

ClinVar aggregate classification (germline): Benign/Likely benign. Review status: criteria provided, multiple submitters, no conflicts (2 of 4 stars). 3 submissions from 3 submitters: Benign (1); Likely benign (2). Last evaluated 2024-12-21.

Conditions:
Hereditary diffuse gastric adenocarcinoma (HDGC). Also called: DIFFUSE GASTRIC AND LOBULAR BREAST CANCER SYNDROME. Identifiers: Orphanet 26106, MedGen C1708349, MONDO:0007648, OMIM 137215.
Hereditary cancer-predisposing syndrome. Also called: Neoplastic Syndromes, Hereditary; Tumor predisposition; Hereditary neoplastic syndrome; Hereditary Cancer Syndrome. Identifiers: Orphanet 140162, MedGen C0027672, MeSH D009386, MONDO:0015356.

Allele frequency attached by ClinVar (database versions not stated): gnomAD exomes below 0.00001.
gnomAD v4.1: 2 of 1,614,182 alleles (0.00012%); highest among the groups gnomAD compares: Middle Eastern, 0.017%; no homozygotes.

Submissions (3):

Labcorp Genetics (formerly Invitae), Labcorp
Classification: Likely benign. Last evaluated: 2024-12-21. Review status: criteria provided, single submitter. Criteria: Invitae Variant Classification Sherloc (09022015). Collection method: clinical testing. Allele origin: germline.

Myriad Genetics, Inc.
Classification: Benign for Hereditary diffuse gastric adenocarcinoma. Last evaluated: 2024-10-10. Review status: criteria provided, single submitter. Criteria: Myriad Autosomal Dominant, Autosomal Recessive and X-Linked Classification Criteria (2023). Collection method: clinical testing. Allele origin: unknown.
Comment: This variant is considered benign. This variant is a silent/synonymous amino acid change and it is not expected to impact splicing.

Ambry Genetics
Classification: Likely benign for Hereditary cancer-predisposing syndrome. Last evaluated: 2022-04-08. Review status: criteria provided, single submitter. Criteria: Ambry Variant Classification Scheme 2023. Collection method: clinical testing. Allele origin: germline.

NM_001903.5(CTNNA1):c.723G>A (p.Arg241=)

Gene: CTNNA1 (catenin alpha 1; plus strand). Cytogenetic location: 5q31.2.
Variant type: single nucleotide variant.
Coding change: c.723G>A on transcript NM_001903.5 (MANE Select); coding-DNA position 723, G replaced by A.
Protein change: p.Arg241=; no amino-acid change (arginine 241 retained).
Molecular consequence: synonymous variant.
Genome position (GRCh38, 1-based): chr5:138,824,664, G>A. VCF-style: chr5-138824664-G-A. GRCh37 (hg19) VCF-style: chr5-138160353-G-A.
Other names: c.723G>A, p.Arg241= (NM_001290307.3, NM_001323982.2, NM_001323983.1 and 3 more transcripts); c.414G>A, p.Arg138= (NM_001290309.3); c.354G>A, p.Arg118= (NM_001290310.3).
Identifiers: ClinVar variation 1757857 (VCV001757857.5), dbSNP rs1224735461, ClinGen allele CA446594791.